The following is an entry in ClinVar:

ClinVar aggregate classification (germline): Likely benign (1 of 4 stars; one submission).

Conditions:
Familial thoracic aortic aneurysm and aortic dissection (TAAD). Also called: Thoracic aortic aneurysms and dissections. Identifiers: Orphanet 91387, MedGen C4707243, MONDO:0019625.

Submission:

All of Us Research Program, National Institutes of Health
Classification: Likely benign for Familial thoracic aortic aneurysm and aortic dissection. Last evaluated: 2023-11-20. Review status: criteria provided, single submitter. Criteria: ACMG Guidelines, 2015. Collection method: clinical testing. Allele origin: germline. Inheritance: Autosomal dominant inheritance. Observed: 2 variant alleles, 2 heterozygotes.
Comment: This study involves interpretation of variants in research participants for the purpose of population health screening. Participant phenotype was not available at the time of variant classification. Additional details can be found in publication PMID: 35346344, PMCID: PMC8962531

NM_002474.3(MYH11):c.5296-3C>T

Genes: NDE1 (nudE neurodevelopment protein 1; plus strand), MYH11 (myosin heavy chain 11; minus strand). Cytogenetic location: 16p13.11.
Variant type: single nucleotide variant.
Coding change: c.5296-3C>T on transcript NM_002474.3 (MANE Select); 3 bases into the intron before coding-DNA position 5296, C replaced by T.
Molecular consequence: intron variant.
Genome position (GRCh38, 1-based): chr16:15,717,351, G>A on the plus strand (C>T on the coding strand, the complement: MYH11 is on the minus strand). VCF-style: chr16-15717351-G-A. GRCh37 (hg19) VCF-style: chr16-15811208-G-A.
Other names: c.948-6840G>A (NM_001143979.2, NM_017668.3); c.5296-3C>T (NM_022844.3); c.5317-3C>T (NM_001040114.2, NM_001040113.2).
Identifiers: ClinVar variation 3069340 (VCV003069340.1), dbSNP rs370866058, ClinGen allele CA2731882267.
Genomic context (GRCh38, chr16:15,717,351, plus strand): 5'-TCTCATTCTTCTGGGCCGTGCTGCGCTCTGTGGCCAGCTCGTTGCTGAGCTGCTCGGCCT[G>A]GGGAGGAGAGTGAAGGCCATGAGGCGGACTCAGGGAAGCCCAAGAGAGCGCACTGAGACC-3'